The following is an entry in ClinVar:

ClinVar aggregate classification (germline): Uncertain significance. Review status: criteria provided, multiple submitters, no conflicts (2 of 4 stars). 3 submissions from 3 submitters: Uncertain significance (3). Last evaluated 2025-12-30.

Allele frequency attached by ClinVar (database versions not stated): TOPMed 0.00001.
gnomAD v4.1: 8 of 1,613,920 alleles (0.0005%); highest among the groups gnomAD compares: Admixed American, 0.0017%; no homozygotes.

Submissions (3):

Women's Health and Genetics/Laboratory Corporation of America, LabCorp
Classification: Uncertain significance. Last evaluated: 2025-12-30. Review status: criteria provided, single submitter. Criteria: LabCorp Variant Classification Summary - May 2015. Collection method: clinical testing. Allele origin: germline.
Comment: Variant summary: EFTUD2 c.659G>A (p.Arg220His) results in a non-conservative amino acid change in the encoded protein sequence. Algorithms developed to predict the effect of missense changes on protein structure and function all suggest that this variant is likely to be disruptive. The variant allele was found at a frequency of 1.6e-05 in 251342 control chromosomes. The available data on variant occurrences in the general population are insufficient to allow any conclusion about variant significance. To our knowledge, no occurrence of c.659G>A in individuals affected with EFTUD2-related conditions and no experimental evidence demonstrating its impact on protein function have been reported. ClinVar contains an entry for this variant (Variation ID: 2507240). Based on the evidence outlined above, the variant was classified as uncertain significance.

Labcorp Genetics (formerly Invitae), Labcorp
Classification: Uncertain significance. Last evaluated: 2025-02-11. Review status: criteria provided, single submitter. Criteria: Invitae Variant Classification Sherloc (09022015). Collection method: clinical testing. Allele origin: germline.
Comment: This sequence change replaces arginine, which is basic and polar, with histidine, which is basic and polar, at codon 220 of the EFTUD2 protein (p.Arg220His). This variant is present in population databases (rs765588398, gnomAD 0.003%). This variant has not been reported in the literature in individuals affected with EFTUD2-related conditions. ClinVar contains an entry for this variant (Variation ID: 2507240). Invitae Evidence Modeling of protein sequence and biophysical properties (such as structural, functional, and spatial information, amino acid conservation, physicochemical variation, residue mobility, and thermodynamic stability) indicates that this missense variant is expected to disrupt EFTUD2 protein function with a positive predictive value of 80%. In summary, the available evidence is currently insufficient to determine the role of this variant in disease. Therefore, it has been classified as a Variant of Uncertain Significance.

GeneDx
Classification: Uncertain significance. Last evaluated: 2022-12-23. Review status: criteria provided, single submitter. Criteria: GeneDx Variant Classification Process June 2021. Collection method: clinical testing. Allele origin: germline. Affected: yes.
Comment: In silico analysis supports that this missense variant has a deleterious effect on protein structure/function; Has not been previously published as pathogenic or benign to our knowledge

NM_004247.4(EFTUD2):c.659G>A (p.Arg220His)

Gene: EFTUD2 (elongation factor Tu GTP binding domain containing 2; minus strand). Cytogenetic location: 17q21.31.
Variant type: single nucleotide variant.
Coding change: c.659G>A on transcript NM_004247.4 (MANE Select); coding-DNA position 659, G replaced by A.
Protein change: p.Arg220His; replaces arginine 220 with histidine.
Molecular consequence: missense variant.
Genome position (GRCh38, 1-based): chr17:44,879,599, C>T on the plus strand (G>A on the coding strand, the complement: EFTUD2 is on the minus strand). VCF-style: chr17-44879599-C-T. GRCh37 (hg19) VCF-style: chr17-42956967-C-T.
Other names: c.554G>A, p.Arg185His (NM_001142605.2); c.659G>A, p.Arg220His (NM_001258353.2); c.629G>A, p.Arg210His (NM_001258354.2); short protein forms R185H, R210H, R220H.
Identifiers: ClinVar variation 2507240 (VCV002507240.3), dbSNP rs765588398, ClinGen allele CA8608011.